The following is an entry in ClinVar:

ClinVar aggregate classification (germline): Likely pathogenic (1 of 4 stars; one submission).

Conditions:
SLC10A1-related disorder. Also called: SLC10A1-related condition.

Submission:

PreventionGenetics, part of Exact Sciences
Classification: Likely pathogenic for SLC10A1-related condition. Last evaluated: 2024-11-13. Review status: criteria provided, single submitter. Criteria: ACMG Guidelines, 2015. Collection method: clinical testing. Allele origin: germline.
Comment: The SLC10A1 c.196_197insCACAGTA variant is predicted to result in a frameshift and premature protein termination (p.Val66Alafs*26). To our knowledge, this variant has not been reported in the literature. This variant is reported in 0.0029% of alleles in individuals of Latino descent in gnomAD. Frameshift variants in SLC10A1 are expected to be pathogenic. This variant is interpreted as likely pathogenic.

NM_003049.4(SLC10A1):c.196_197insCACAGTA (p.Val66fs)

Gene: SLC10A1 (solute carrier family 10 member 1; minus strand). Cytogenetic location: 14q24.1.
Variant type: Insertion.
Coding change: c.196_197insCACAGTA on transcript NM_003049.4 (MANE Select); coding-DNA positions 196 to 197, CACAGTA inserted.
Protein change: p.Val66fs; shifts the reading frame from valine 66.
Molecular consequence: frameshift variant.
Genome position: GRCh38 VCF-style: chr14-69796959-A-ATACTGTG. GRCh37 (hg19) VCF-style: chr14-70263676-A-ATACTGTG.
Other names: short protein forms V66fs.
Identifiers: ClinVar variation 4999003 (VCV004999003.1).
Genomic context (GRCh38, chr14:69,796,959, plus strand): 5'-TTCAGCCGGAAGACCTTGCCCAGCACAAAGGCCGTGAGGGGCATGATGCCATACTGTGCC[A>ATACTGTG]CCAGGGCGATGGCCAGCCCTTTAGGCTTCCATAAGTGAGCCTTGATCTTGCTGAACTCCA-3'